The following is an entry in ClinVar:

NC_000009.11:g.(?_133327616)_(133333996_?)del

Gene: ASS1 (argininosuccinate synthase 1; plus strand). Cytogenetic location: 9q34.11.
Variant type: Deletion.
Identifiers: ClinVar variation 3245093 (VCV003245093.1).

ClinVar aggregate classification (germline): Pathogenic (1 of 4 stars; one submission).

Conditions:
Citrullinemia. Identifiers: Orphanet 187, MedGen C0175683, MONDO:0015991.

Submission:

Labcorp Genetics (formerly Invitae), Labcorp
Classification: Pathogenic for Citrullinemia. Last evaluated: 2023-01-25. Review status: criteria provided, single submitter. Criteria: Invitae Variant Classification Sherloc (09022015). Collection method: clinical testing. Allele origin: unknown.
Comment: For these reasons, this variant has been classified as Pathogenic. This variant has not been reported in the literature in individuals affected with ASS1-related conditions. This variant is a gross deletion of the genomic region encompassing exon(s) 3-5 of the ASS1 gene, which includes the initiator codon. This deletion extends beyond the assayed region for this gene and therefore may encompass additional genes. It is expected to result in an absent or disrupted protein product. Loss-of-function variants in ASS1 are known to be pathogenic (PMID: 18473344, 19006241).

Literature cited by the submitters: PubMed 18473344; PubMed 19006241.